The following is an entry in ClinVar:

ClinVar aggregate classification (germline): Uncertain significance (1 of 4 stars; one submission).

Submission:

Labcorp Genetics (formerly Invitae), Labcorp
Classification: Uncertain significance. Last evaluated: 2023-10-23. Review status: criteria provided, single submitter. Criteria: Invitae Variant Classification Sherloc (09022015). Collection method: clinical testing. Allele origin: germline.
Comment: This sequence change creates a premature translational stop signal (p.Trp989*) in the MICAL1 gene. It is expected to result in an absent or disrupted protein product. However, the current clinical and genetic evidence is not sufficient to establish whether loss-of-function variants in MICAL1 cause disease. This variant is not present in population databases (gnomAD no frequency). This variant has not been reported in the literature in individuals affected with MICAL1-related conditions. In summary, the available evidence is currently insufficient to determine the role of this variant in disease. Therefore, it has been classified as a Variant of Uncertain Significance.

NM_022765.4(MICAL1):c.2909G>A (p.Trp970Ter)

Gene: MICAL1 (microtubule associated monooxygenase, calponin and LIM domain containing 1; minus strand). Cytogenetic location: 6q21.
Variant type: single nucleotide variant.
Coding change: c.2909G>A on transcript NM_022765.4 (MANE Select); coding-DNA position 2909, G replaced by A.
Protein change: p.Trp970Ter; replaces tryptophan 970 with a stop codon.
Molecular consequence: nonsense.
Genome position (GRCh38, 1-based): chr6:109,444,968, C>T on the plus strand (G>A on the coding strand, the complement: MICAL1 is on the minus strand). VCF-style: chr6-109444968-C-T. GRCh37 (hg19) VCF-style: chr6-109766171-C-T.
Other names: c.2651G>A, p.Trp884Ter (NM_001159291.2); c.2966G>A, p.Trp989Ter (NM_001286613.2); short protein forms W970*, W884*, W989*.
Identifiers: ClinVar variation 2844827 (VCV002844827.3), dbSNP rs2482766396, ClinGen allele CA365221282.